The following is an entry in ClinVar:

ClinVar aggregate classification (germline): Uncertain significance (1 of 4 stars; one submission).

Allele frequency attached by ClinVar (database versions not stated): gnomAD exomes below 0.00001.

Submission:

GeneDx
Classification: Uncertain significance. Last evaluated: 2023-05-08. Review status: criteria provided, single submitter. Criteria: GeneDx Variant Classification Process June 2021. Collection method: clinical testing. Allele origin: germline. Affected: yes.
Comment: Not observed at significant frequency in large population cohorts (gnomAD); In silico analysis supports that this missense variant does not alter protein structure/function; Has not been previously published as pathogenic or benign to our knowledge

NM_005334.3(HCFC1):c.17C>T (p.Ser6Leu)

Gene: HCFC1 (host cell factor C1; minus strand). Cytogenetic location: Xq28.
Variant type: single nucleotide variant.
Coding change: c.17C>T on transcript NM_005334.3 (MANE Select); coding-DNA position 17, C replaced by T.
Protein change: p.Ser6Leu; replaces serine 6 with leucine.
Molecular consequence: missense variant.
Genome position (GRCh38, 1-based): chrX:153,970,824, G>A on the plus strand (C>T on the coding strand, the complement: HCFC1 is on the minus strand). VCF-style: chrX-153970824-G-A. GRCh37 (hg19) VCF-style: chrX-153236275-G-A.
Other names: c.17C>T, p.Ser6Leu (NM_001410705.1); short protein forms S6L.
Identifiers: ClinVar variation 2663082 (VCV002663082.1), dbSNP rs2521820962, ClinGen allele CA415157324.